The following is an entry in ClinVar:

ClinVar aggregate classification (germline): Uncertain significance. Review status: criteria provided, multiple submitters, no conflicts (2 of 4 stars). 2 submissions from 2 submitters: Uncertain significance (2). Last evaluated 2026-03-22.

Conditions:
RPS6KA3-related disorder. Also called: RPS6KA3-related condition.

gnomAD v4.1: 4 of 1,124,982 alleles (0.00036%); highest among the groups gnomAD compares: Non-Finnish European, 0.00049%; no homozygotes.

Submissions (2):

GeneDx
Classification: Uncertain significance. Last evaluated: 2026-03-22. Review status: criteria provided, single submitter. Criteria: GeneDx Variant Classification Process June 2021. Collection method: clinical testing. Allele origin: germline.
Comment: In silico analysis supports that this missense variant has a deleterious effect on protein structure/function; Has not been previously published as pathogenic or benign to our knowledge

PreventionGenetics, part of Exact Sciences
Classification: Uncertain significance for RPS6KA3-related condition. Last evaluated: 2025-02-27. Review status: criteria provided, single submitter. Criteria: ACMG Guidelines, 2015. Collection method: clinical testing. Allele origin: germline.
Comment: The RPS6KA3 c.1840G>A variant is predicted to result in the amino acid substitution p.Gly614Ser. To our knowledge, this variant has not been reported in the literature. This variant is reported in 0.0024% of alleles in individuals of European (Non-Finnish) descent in gnomAD. At this time, the clinical significance of this variant is uncertain due to the absence of conclusive functional and genetic evidence.

NM_004586.3(RPS6KA3):c.1840G>A (p.Gly614Ser)

Gene: RPS6KA3 (ribosomal protein S6 kinase A3; minus strand). Cytogenetic location: Xp22.12.
Variant type: single nucleotide variant.
Coding change: c.1840G>A on transcript NM_004586.3 (MANE Select); coding-DNA position 1840, G replaced by A.
Protein change: p.Gly614Ser; replaces glycine 614 with serine.
Molecular consequence: missense variant.
Genome position (GRCh38, 1-based): chrX:20,162,965, C>T on the plus strand (G>A on the coding strand, the complement: RPS6KA3 is on the minus strand). VCF-style: chrX-20162965-C-T. GRCh37 (hg19) VCF-style: chrX-20181083-C-T.
Other names: c.1756G>A, p.Gly586Ser (NM_001438340.1); short protein forms G614S, G586S.
Identifiers: ClinVar variation 4997896 (VCV004997896.2).